The following is an entry in ClinVar:

NM_004519.4(KCNQ3):c.1839C>T (p.Ile613=)

Gene: KCNQ3 (potassium voltage-gated channel subfamily Q member 3; minus strand). Cytogenetic location: 8q24.22.
Variant type: single nucleotide variant.
Coding change: c.1839C>T on transcript NM_004519.4 (MANE Select); coding-DNA position 1839, C replaced by T.
Protein change: p.Ile613=; no amino-acid change (isoleucine 613 retained).
Molecular consequence: synonymous variant.
Genome position (GRCh38, 1-based): chr8:132,132,225, G>A on the plus strand (C>T on the coding strand, the complement: KCNQ3 is on the minus strand). VCF-style: chr8-132132225-G-A. GRCh37 (hg19) VCF-style: chr8-133144472-G-A.
Other names: c.1479C>T, p.Ile493= (NM_001204824.2).
Identifiers: ClinVar variation 379069 (VCV000379069.5), dbSNP rs140045642, ClinGen allele CA4880569.
Genomic context (GRCh38, chr8:132,132,225, plus strand): 5'-GAAGAAAAGACTTACCTGTCTTTCAACTTTTACAAACTTCCCCATCATGCTTTGGTCTTC[G>A]ATTTCTGATGTGGATGGTCTGGCTACATATGGTTCATTCCTAAGAAGAAGCGAACACTTC-3'
Protein context (NP_004510.1, residues 603-623): PYVARPSTSE[Ile613=]EDQSMMGKFV

ClinVar aggregate classification (germline): Likely benign. Review status: criteria provided, multiple submitters, no conflicts (2 of 4 stars). 2 submissions from 2 submitters: Likely benign (2). Last evaluated 2024-10-26.

Conditions:
Benign neonatal seizures. Also called: Benign familial neonatal epilepsy; Convulsions benign familial neonatal dominant form; Autosomal dominant form of benign neonatal seizures; Benign familial neonatal seizures; Benign neonatal familial convulsions. Identifiers: Orphanet 1949, MedGen C0220669, MONDO:0016027.

Allele frequency attached by ClinVar (database versions not stated): TOPMed 0.00001; ESP Exome Variant Server 0.00008.
gnomAD v4.1: 7 of 1,613,780 alleles (0.00043%); highest among the groups gnomAD compares: East Asian, 0.0022%; no homozygotes.

Submissions (2):

Labcorp Genetics (formerly Invitae), Labcorp
Classification: Likely benign for Benign neonatal seizures. Last evaluated: 2024-10-26. Review status: criteria provided, single submitter. Criteria: Invitae Variant Classification Sherloc (09022015). Collection method: clinical testing. Allele origin: germline.

GeneDx
Classification: Likely benign. Last evaluated: 2016-05-18. Review status: criteria provided, single submitter. Criteria: GeneDx Variant Classification (06012015). Collection method: clinical testing. Allele origin: germline. Affected: yes.
Comment: This variant is considered likely benign or benign based on one or more of the following criteria: it is a conservative change, it occurs at a poorly conserved position in the protein, it is predicted to be benign by multiple in silico algorithms, and/or has population frequency not consistent with disease.